The following is an entry in ClinVar:

ClinVar aggregate classification (germline): Pathogenic/Likely pathogenic. Review status: criteria provided, multiple submitters, no conflicts (2 of 4 stars). 4 submissions from 4 submitters: Pathogenic (2); Likely pathogenic (2). Last evaluated 2024-12-26.

Conditions:
Febrile seizures, familial, 4 (FEB4). Also called: CONVULSIONS, FAMILIAL FEBRILE, 4. Identifiers: MedGen C1858493, MONDO:0011443, OMIM 604352.
Usher syndrome type 2C. Also called: USHER SYNDROME, TYPE IIC; Usher syndrome, type 2B. Identifiers: Orphanet 231178, Orphanet 886, MedGen C2931213, MONDO:0011558, OMIM 605472.
ADGRV1-related disorder. Also called: ADGRV1-related disorders; ADGRV1-related condition.

Allele frequency attached by ClinVar (database versions not stated): gnomAD exomes below 0.00001 and 0.00001; TOPMed below 0.00001; ExAC 0.00001.
gnomAD v4.1: 5 of 1,610,742 alleles (0.00031%); highest among the groups gnomAD compares: Admixed American, 0.0033%; no homozygotes.

Submissions (4):

GeneDx
Classification: Likely pathogenic. Last evaluated: 2024-12-26. Review status: criteria provided, single submitter. Criteria: GeneDx Variant Classification Process June 2021. Collection method: clinical testing. Allele origin: germline. Affected: yes.
Comment: Identified with a second variant (phase unknown) in a patient with suspected autosomal recessive nonsyndromic sensorineural hearing loss in published literature (PMID: 27068579); Nonsense variant predicted to result in protein truncation or nonsense mediated decay in a gene for which loss-of-function is a known mechanism of disease; Not observed at a significant frequency in large population cohorts (gnomAD); This variant is associated with the following publications: (PMID: 37002809, 27068579, 38987893)

Fulgent Genetics
Classification: Pathogenic for Febrile seizures, familial, 4; Usher syndrome type 2C. Last evaluated: 2024-04-24. Review status: criteria provided, single submitter. Criteria: ACMG Guidelines, 2015. Collection method: clinical testing. Allele origin: germline.

Labcorp Genetics (formerly Invitae), Labcorp
Classification: Pathogenic. Last evaluated: 2023-11-14. Review status: criteria provided, single submitter. Criteria: Invitae Variant Classification Sherloc (09022015). Collection method: clinical testing. Allele origin: germline.
Comment: This sequence change creates a premature translational stop signal (p.Arg2959*) in the ADGRV1 gene. It is expected to result in an absent or disrupted protein product. Loss-of-function variants in ADGRV1 are known to be pathogenic (PMID: 19357117, 22135276, 22147658, 26226137, 30718709, 31047384, 32467589). The frequency data for this variant in the population databases is considered unreliable, as metrics indicate poor data quality at this position in the gnomAD database. This premature translational stop signal has been observed in individual(s) with deafness (PMID: 27068579). ClinVar contains an entry for this variant (Variation ID: 1458724). For these reasons, this variant has been classified as Pathogenic.

Blueprint Genetics
Classification: Likely pathogenic for ADGRV1-related disorders. Last evaluated: 2021-06-25. Review status: criteria provided, single submitter. Criteria: ACMG Guidelines, 2015. Collection method: clinical testing. Allele origin: germline. Affected: yes. Observed: 1 variant allele.

Literature cited by the submitters: PubMed 19357117 (cited by Labcorp Genetics (formerly Invitae), Labcorp); PubMed 22135276 (cited by Labcorp Genetics (formerly Invitae), Labcorp); PubMed 22147658 (cited by Labcorp Genetics (formerly Invitae), Labcorp); PubMed 26226137 (cited by Labcorp Genetics (formerly Invitae), Labcorp); PubMed 30718709 (cited by Labcorp Genetics (formerly Invitae), Labcorp); PubMed 31047384 (cited by Labcorp Genetics (formerly Invitae), Labcorp); PubMed 32467589 (cited by Labcorp Genetics (formerly Invitae), Labcorp); PubMed 27068579 (cited by Labcorp Genetics (formerly Invitae), Labcorp).

NM_032119.4(ADGRV1):c.8875C>T (p.Arg2959Ter)

Gene: ADGRV1 (adhesion G protein-coupled receptor V1; plus strand). Cytogenetic location: 5q14.3.
Variant type: single nucleotide variant.
Coding change: c.8875C>T on transcript NM_032119.4 (MANE Select); coding-DNA position 8875, C replaced by T.
Protein change: p.Arg2959Ter; replaces arginine 2959 with a stop codon.
Molecular consequence: nonsense. On other transcripts: non-coding transcript variant (1).
Genome position (GRCh38, 1-based): chr5:90,711,031, C>T. VCF-style: chr5-90711031-C-T. GRCh37 (hg19) VCF-style: chr5-90006848-C-T.
Other names: c.8875C>T (NM_032119.3); short protein forms R2959*.
Identifiers: ClinVar variation 1458724 (VCV001458724.9), dbSNP rs768035707, ClinGen allele CA3340389.